The following is an entry in ClinVar:

NM_004366.6(CLCN2):c.2153A>C (p.Glu718Ala)

Gene: CLCN2 (chloride voltage-gated channel 2; minus strand). Cytogenetic location: 3q27.1.
Variant type: single nucleotide variant.
Coding change: c.2153A>C on transcript NM_004366.6 (MANE Select); coding-DNA position 2153, A replaced by C.
Protein change: p.Glu718Ala; replaces glutamic acid 718 with alanine.
Molecular consequence: missense variant.
Genome position (GRCh38, 1-based): chr3:184,352,801, T>G on the plus strand (A>C on the coding strand, the complement: CLCN2 is on the minus strand). VCF-style: chr3-184352801-T-G. GRCh37 (hg19) VCF-style: chr3-184070589-T-G.
Other names: c.2102A>C, p.Glu701Ala (NM_001171087.3); c.2021A>C, p.Glu674Ala (NM_001171088.3); c.2153A>C, p.Glu718Ala (NM_001171089.3); short protein forms E701A, E718A, E674A.
Identifiers: ClinVar variation 1499853 (VCV001499853.8), dbSNP rs778408210, ClinGen allele CA2733821.

ClinVar aggregate classification (germline): Uncertain significance (1 of 4 stars; one submission).

Allele frequency attached by ClinVar (database versions not stated): gnomAD exomes 0.00001; ExAC 0.00002.
gnomAD v4.1: 9 of 1,613,232 alleles (0.00056%); highest among the groups gnomAD compares: South Asian, 0.0099%; no homozygotes.

Submission:

Labcorp Genetics (formerly Invitae), Labcorp
Classification: Uncertain significance. Last evaluated: 2021-12-02. Review status: criteria provided, single submitter. Criteria: Invitae Variant Classification Sherloc (09022015). Collection method: clinical testing. Allele origin: germline.
Comment: In summary, the available evidence is currently insufficient to determine the role of this variant in disease. Therefore, it has been classified as a Variant of Uncertain Significance. Advanced modeling of protein sequence and biophysical properties (such as structural, functional, and spatial information, amino acid conservation, physicochemical variation, residue mobility, and thermodynamic stability) performed at Invitae indicates that this missense variant is not expected to disrupt CLCN2 protein function. This variant has not been reported in the literature in individuals affected with CLCN2-related conditions. This variant is present in population databases (rs778408210, gnomAD 0.006%). This sequence change replaces glutamic acid, which is acidic and polar, with alanine, which is neutral and non-polar, at codon 718 of the CLCN2 protein (p.Glu718Ala).